The following is an entry in ClinVar:

ClinVar aggregate classification (germline): Likely pathogenic (1 of 4 stars; one submission).

Submission:

CeGaT Center for Human Genetics Tuebingen
Classification: Likely pathogenic. Last evaluated: 2023-02-01. Review status: criteria provided, single submitter. Criteria: CeGaT Center For Human Genetics Tuebingen Variant Classification Criteria Version 2. Collection method: clinical testing. Allele origin: germline. Affected: yes. Observed: 1 variant allele.
Comment: GNA11: PM1, PM2, PP2, PP3, PP4

NM_002067.5(GNA11):c.625C>G (p.Gln209Glu)

Gene: GNA11 (G protein subunit alpha 11; plus strand). Cytogenetic location: 19p13.3.
Variant type: single nucleotide variant.
Coding change: c.625C>G on transcript NM_002067.5 (MANE Select); coding-DNA position 625, C replaced by G.
Protein change: p.Gln209Glu; replaces glutamine 209 with glutamic acid.
Molecular consequence: missense variant.
Genome position (GRCh38, 1-based): chr19:3,118,943, C>G. VCF-style: chr19-3118943-C-G. GRCh37 (hg19) VCF-style: chr19-3118941-C-G.
Other names: short protein forms Q209E.
Identifiers: ClinVar variation 2498747 (VCV002498747.28), dbSNP rs2145325959, ClinGen allele CA403310585.